The following is an entry in ClinVar:

NM_001184880.2(PCDH19):c.3431_3436dup (p.Lys1144_Asp1145dup)

Gene: PCDH19 (protocadherin 19; minus strand). Cytogenetic location: Xq22.1.
Variant type: Duplication.
Coding change: c.3431_3436dup on transcript NM_001184880.2 (MANE Select); coding-DNA positions 3431 to 3436, 6 bases duplicated (AGGATA; older notation c.3431_3436dupAGGATA).
Protein change: p.Lys1144_Asp1145dup.
Molecular consequence: inframe insertion.
Genome position (GRCh38, 1-based): chrX:100,296,288-100,296,293, TATCCT duplicated on the plus strand (AGGATA on the coding strand, the reverse complement: PCDH19 is on the minus strand); duplicating any 6 consecutive bases within chrX:100,296,288-100,296,294 gives the same sequence; the c. name uses the placement nearest the transcript's 3' end. VCF-style (leftmost placement, unchanged base first): chrX-100296287-A-ATATCCT. GRCh37 (hg19) VCF-style: chrX-99551285-A-ATATCCT.
Other names: c.3290_3295dup, p.Lys1097_Asp1098dup (NM_001105243.2); c.3287_3292dup, p.Lys1096_Asp1097dup (NM_020766.3).
Identifiers: ClinVar variation 955455 (VCV000955455.10), dbSNP rs1924597346, ClinGen allele CA1139667708.

ClinVar aggregate classification (germline): Uncertain significance (1 of 4 stars; one submission).

Conditions:
Developmental and epileptic encephalopathy, 9 (DEE9). Also called: Early infantile epileptic encephalopathy 9; EPILEPSY, FEMALE-RESTRICTED, WITH MENTAL RETARDATION; JUBERG-HELLMAN SYNDROME; PCDH19-Related X-Linked Female-Limited Epilepsy with Mental Retardation. Identifiers: Orphanet 101039, Orphanet 2076, MedGen C1848137, MONDO:0010246, OMIM 300088. Disease mechanism: loss of function.

Submission:

Labcorp Genetics (formerly Invitae), Labcorp
Classification: Uncertain significance for Developmental and epileptic encephalopathy, 9. Last evaluated: 2022-12-05. Review status: criteria provided, single submitter. Criteria: Invitae Variant Classification Sherloc (09022015). Collection method: clinical testing. Allele origin: germline.
Comment: In summary, the available evidence is currently insufficient to determine the role of this variant in disease. Therefore, it has been classified as a Variant of Uncertain Significance. Experimental studies and prediction algorithms are not available or were not evaluated, and the functional significance of this variant is currently unknown. ClinVar contains an entry for this variant (Variation ID: 955455). This variant has not been reported in the literature in individuals affected with PCDH19-related conditions. This variant is not present in population databases (gnomAD no frequency). This variant, c.3431_3436dup, results in the insertion of 2 amino acid(s) of the PCDH19 protein (p.Lys1144_Asp1145dup), but otherwise preserves the integrity of the reading frame.